The following is an entry in ClinVar:

ClinVar aggregate classification (germline): Uncertain significance (1 of 4 stars; one submission).

Allele frequency attached by ClinVar (database versions not stated): gnomAD exomes 0.00016 and 0.00018; ExAC 0.00020; TOPMed 0.00020; gnomAD 0.00022 and 0.00024; ESP Exome Variant Server 0.00032.
gnomAD v4.1: 307 of 1,612,300 alleles (0.019%); highest among the groups gnomAD compares: Non-Finnish European, 0.018%; no homozygotes.

Submission:

Labcorp Genetics (formerly Invitae), Labcorp
Classification: Uncertain significance. Last evaluated: 2022-08-05. Review status: criteria provided, single submitter. Criteria: Invitae Variant Classification Sherloc (09022015). Collection method: clinical testing. Allele origin: germline.
Comment: This sequence change replaces arginine, which is basic and polar, with histidine, which is basic and polar, at codon 1271 of the LRRK1 protein (p.Arg1271His). This variant is present in population databases (rs199804667, gnomAD 0.2%). This variant has not been reported in the literature in individuals affected with LRRK1-related conditions. ClinVar contains an entry for this variant (Variation ID: 1382230). Algorithms developed to predict the effect of missense changes on protein structure and function are either unavailable or do not agree on the potential impact of this missense change (SIFT: "Tolerated"; PolyPhen-2: "Probably Damaging"; Align-GVGD: "Class C0"). In summary, the available evidence is currently insufficient to determine the role of this variant in disease. Therefore, it has been classified as a Variant of Uncertain Significance.

NM_024652.6(LRRK1):c.3812G>A (p.Arg1271His)

Genes: LRRK1 (leucine rich repeat kinase 1; plus strand), LRRK1-AS1 (LRRK1 antisense RNA 1; minus strand). Cytogenetic location: 15q26.3.
Variant type: single nucleotide variant.
Coding change: c.3812G>A on transcript NM_024652.6 (MANE Select); coding-DNA position 3812, G replaced by A.
Protein change: p.Arg1271His; replaces arginine 1271 with histidine.
Molecular consequence: missense variant.
Genome position (GRCh38, 1-based): chr15:101,053,044, G>A. VCF-style: chr15-101053044-G-A. GRCh37 (hg19) VCF-style: chr15-101593249-G-A.
Other names: short protein forms R1271H.
Identifiers: ClinVar variation 1382230 (VCV001382230.3), dbSNP rs199804667, ClinGen allele CA7761648.